The following is an entry in ClinVar:

ClinVar aggregate classification (germline): Uncertain significance (1 of 4 stars; one submission).

Conditions:
Inborn genetic diseases. Identifiers: MedGen C0950123, MeSH D030342.

Submission:

Ambry Genetics
Classification: Uncertain significance for Inborn genetic diseases. Last evaluated: 2022-02-24. Review status: criteria provided, single submitter. Criteria: Ambry Variant Classification Scheme 2023. Collection method: clinical testing. Allele origin: germline.
Comment: The p.L41R variant (also known as c.122T>G), located in coding exon 2 of the EPAS1 gene, results from a T to G substitution at nucleotide position 122. The leucine at codon 41 is replaced by arginine, an amino acid with dissimilar properties. This amino acid position is conserved. In addition, this alteration is predicted to be deleterious by in silico analysis. Since supporting evidence is limited at this time, the clinical significance of this alteration remains unclear.

NM_001430.5(EPAS1):c.122T>G (p.Leu41Arg)

Gene: EPAS1 (endothelial PAS domain protein 1; plus strand). Cytogenetic location: 2p21.
Variant type: single nucleotide variant.
Coding change: c.122T>G on transcript NM_001430.5 (MANE Select); coding-DNA position 122, T replaced by G.
Protein change: p.Leu41Arg; replaces leucine 41 with arginine.
Molecular consequence: missense variant.
Genome position (GRCh38, 1-based): chr2:46,346,968, T>G. VCF-style: chr2-46346968-T-G. GRCh37 (hg19) VCF-style: chr2-46574107-T-G.
Other names: short protein forms L41R.
Identifiers: ClinVar variation 1755290 (VCV001755290.2), dbSNP rs2546439918, ClinGen allele CA346697078.
Genomic context (GRCh38, chr2:46,346,968, plus strand): 5'-ATGCTGCGCGGTGCCGGCGGAGCAAGGAGACGGAGGTGTTCTATGAGCTGGCCCATGAGC[T>G]GCCTCTGCCCCACAGTGTGAGCTCCCATCTGGACAAGGCCTCCATCATGCGACTGGCAAT-3'
Protein context (NP_001421.2, residues 31-51): TEVFYELAHE[Leu41Arg]PLPHSVSSHL